The following is an entry in ClinVar:

ClinVar aggregate classification (germline): Pathogenic (1 of 4 stars; one submission).

Conditions:
Cardiovascular phenotype. Identifiers: MedGen CN230736.

Submission:

Ambry Genetics
Classification: Pathogenic for Cardiovascular phenotype. Last evaluated: 2026-08-31. Review status: criteria provided, single submitter. Criteria: Ambry Variant Classification Scheme 2023. Collection method: clinical testing. Allele origin: germline.
Comment: The c.1823delT alteration, located in exon 12 (coding exon 12) of the DSG2 gene, consists of a deletion of one nucleotide at position 1823, causing a translational frameshift with a predicted alternate stop codon after 11 amino acids. This variant is expected to result in loss of function by premature protein truncation or nonsense-mediated mRNA decay. This variant was not reported in population-based cohorts in the Genome Aggregation Database (gnomAD). Based on the available evidence, this alteration is classified as pathogenic.

NM_001943.5(DSG2):c.1823del (p.Val608fs)

Gene: DSG2 (desmoglein 2; plus strand). Cytogenetic location: 18q12.1.
Variant type: Deletion.
Coding change: c.1823del on transcript NM_001943.5 (MANE Select); coding-DNA position 1823, one base deleted (T; older notation c.1823delT).
Protein change: p.Val608fs; shifts the reading frame from valine 608.
Molecular consequence: frameshift variant.
Genome position (GRCh38, 1-based): chr18:31,538,922, T deleted. VCF-style (leftmost placement, unchanged base first): chr18-31538921-GT-G. GRCh37 (hg19) VCF-style: chr18-29118884-GT-G.
Other names: short protein forms V608fs.
Identifiers: ClinVar variation 5035623 (VCV005035623.1).